The following is an entry in ClinVar:

ClinVar aggregate classification (germline): Pathogenic (1 of 4 stars; one submission).

Conditions:
Familial hemiplegic migraine. Identifiers: MedGen C0338484, MONDO:0000700.

Submission:

Labcorp Genetics (formerly Invitae), Labcorp
Classification: Pathogenic for Familial hemiplegic migraine. Last evaluated: 2024-02-26. Review status: criteria provided, single submitter. Criteria: Invitae Variant Classification Sherloc (09022015). Collection method: clinical testing. Allele origin: germline.
Comment: This sequence change creates a premature translational stop signal (p.Ile240Metfs*9) in the ATP1A2 gene. It is expected to result in an absent or disrupted protein product. Loss-of-function variants in ATP1A2 are known to be pathogenic (PMID: 30690204). This variant is not present in population databases (gnomAD no frequency). This variant has not been reported in the literature in individuals affected with ATP1A2-related conditions. ClinVar contains an entry for this variant (Variation ID: 1459217). For these reasons, this variant has been classified as Pathogenic.

Literature cited by the submitters: PubMed 30690204.

NM_000702.4(ATP1A2):c.720_721del (p.Ile240fs)

Genes: ATP1A2 (ATPase Na+/K+ transporting subunit alpha 2; plus strand), LOC126805890 (CDK7 strongly-dependent group 2 enhancer GRCh37_chr1:160093987-160095186; plus strand). Cytogenetic location: 1q23.2.
Variant type: Deletion.
Coding change: c.720_721del on transcript NM_000702.4 (MANE Select); coding-DNA positions 720 to 721, 2 bases deleted (CT; older notation c.720_721delCT).
Protein change: p.Ile240fs; shifts the reading frame from isoleucine 240.
Molecular consequence: frameshift variant.
Genome position (GRCh38, 1-based): chr1:160,125,225-160,125,226, CT deleted; deleting any 2 consecutive bases within chr1:160,125,224-160,125,226 gives the same sequence; the c. name uses the placement nearest the transcript's 3' end. VCF-style (leftmost placement, unchanged base first): chr1-160125223-ATC-A. GRCh37 (hg19) VCF-style: chr1-160095013-ATC-A.
Other names: short protein forms I240fs.
Identifiers: ClinVar variation 1459217 (VCV001459217.6), dbSNP rs2101986777, ClinGen allele CA2573131150.